The following is an entry in ClinVar:

ClinVar aggregate classification (germline): Benign/Likely benign. Review status: criteria provided, multiple submitters, no conflicts (2 of 4 stars). 19 submissions from 17 submitters: Benign (12); Likely benign (2). 5 of the submissions do not count toward it. Last evaluated 2026-02-04.

Conditions:
Cardiovascular phenotype. Identifiers: MedGen CN230736.
Arrhythmogenic cardiomyopathy with wooly hair and keratoderma. Also called: Dilated cardiomyopathy with woolly hair and keratoderma; Carvajal syndrome; PALMOPLANTAR KERATODERMA WITH LEFT VENTRICULAR CARDIOMYOPATHY AND WOOLLY HAIR; Arrhythmogenic cardiomyopathy with woolly hair and keratoderma. Identifiers: Orphanet 65282, MedGen C1854063, MONDO:0011581, OMIM 605676.
Arrhythmogenic right ventricular dysplasia 8 (ARVD8). Also called: Arrhythmogenic Right Ventricular Dysplasia/Cardiomyopathy 8; ARRHYTHMOGENIC RIGHT VENTRICULAR DYSPLASIA, FAMILIAL, 8; ARRHYTHMOGENIC RIGHT VENTRICULAR CARDIOMYOPATHY 8. Identifiers: MedGen C1843896, MONDO:0011831, OMIM 607450.
Cardiomyopathy (CMYO). Also called: Cardiomyopathies. Identifiers: Orphanet 167848, MedGen C0878544, MONDO:0004994, HP:0001638. Inheritance: Various modes of inheritance.
Lethal acantholytic epidermolysis bullosa (EBLA). Identifiers: Orphanet 158687, MedGen C1864826, MONDO:0012323, OMIM 609638.
Woolly hair-skin fragility syndrome (WHSF). Identifiers: Orphanet 293165, MedGen C1843292, MONDO:0957307, OMIM 620415.

Allele frequency attached by ClinVar (database versions not stated): 1000 Genomes Project 0.00659; 1000 Genomes Project 30x 0.00718; gnomAD 0.00940 and 0.00945; ExAC 0.00962; TOPMed 0.00968; gnomAD exomes 0.00969 and 0.01462; ESP Exome Variant Server 0.01007.

Submissions (19):

Labcorp Genetics (formerly Invitae), Labcorp
Classification: Benign for Arrhythmogenic cardiomyopathy with wooly hair and keratoderma; Arrhythmogenic right ventricular dysplasia 8. Last evaluated: 2026-02-04. Review status: criteria provided, single submitter. Criteria: Invitae Variant Classification Sherloc (09022015). Collection method: clinical testing. Allele origin: germline.

ARUP Laboratories, Molecular Genetics and Genomics, ARUP Laboratories
Classification: Benign. Last evaluated: 2025-06-25. Review status: criteria provided, single submitter. Criteria: ARUP Molecular Germline Variant Investigation Process 2024. Collection method: clinical testing. Allele origin: germline.

Molecular Diagnostic Laboratory for Inherited Cardiovascular Disease, Montreal Heart Institute
Classification: Benign. Last evaluated: 2025-02-17. Review status: criteria provided, single submitter. Criteria: ACMG Guidelines, 2015. Collection method: clinical testing. Allele origin: germline. Affected: no.

Blueprint Genetics
Classification: Benign. Last evaluated: 2024-11-26. Review status: criteria provided, single submitter. Criteria: ACMG Guidelines, 2015. Collection method: clinical testing. Allele origin: germline.

CeGaT Center for Human Genetics Tuebingen
Classification: Benign. Last evaluated: 2024-06-01. Review status: criteria provided, single submitter. Criteria: CeGaT Center For Human Genetics Tuebingen Variant Classification Criteria Version 2. Collection method: clinical testing. Allele origin: germline. Affected: yes. Observed: 24 variant alleles.
Comment: DSP: BP4, BP7, BS1, BS2

Color Diagnostics, LLC DBA Color Health
Classification: Benign for Cardiomyopathy. Last evaluated: 2018-03-14. Review status: criteria provided, single submitter. Criteria: ACMG Guidelines, 2015. Collection method: clinical testing. Allele origin: germline.

Illumina Laboratory Services, Illumina
Classification: Benign for Arrhythmogenic cardiomyopathy with wooly hair and keratoderma. Last evaluated: 2018-01-12. Review status: criteria provided, single submitter. Criteria: ICSL Variant Classification Criteria 13 December 2019. Collection method: clinical testing. Allele origin: germline.
Comment: This variant was observed in the ICSL laboratory as part of a predisposition screen in an ostensibly healthy population. It had not been previously curated by ICSL or reported in the Human Gene Mutation Database (HGMD: prior to June 1st, 2018), and was therefore a candidate for classification through an automated scoring system. Utilizing variant allele frequency, disease prevalence and penetrance estimates, and inheritance mode, an automated score was calculated to assess if this variant is too frequent to cause the disease. Based on the score and internal cut-off values, a variant classified as benign is not then subjected to further curation. The score for this variant resulted in a classification of benign for this disease.

Illumina Laboratory Services, Illumina
Classification: Benign for Lethal acantholytic epidermolysis bullosa. Last evaluated: 2018-01-12. Review status: criteria provided, single submitter. Criteria: ICSL Variant Classification Criteria 13 December 2019. Collection method: clinical testing. Allele origin: germline.
Comment: the same text as in the submission from Illumina Laboratory Services, Illumina above.

Illumina Laboratory Services, Illumina
Classification: Likely benign for Arrhythmogenic right ventricular dysplasia 8. Last evaluated: 2018-01-12. Review status: criteria provided, single submitter. Criteria: ICSL Variant Classification Criteria 13 December 2019. Collection method: clinical testing. Allele origin: germline.
Comment: This variant was observed in the ICSL laboratory as part of a predisposition screen in an ostensibly healthy population. It had not been previously curated by ICSL or reported in the Human Gene Mutation Database (HGMD: prior to June 1st, 2018), and was therefore a candidate for classification through an automated scoring system. Utilizing variant allele frequency, disease prevalence and penetrance estimates, and inheritance mode, an automated score was calculated to assess if this variant is too frequent to cause the disease. Based on the score and internal cut-off values, a variant classified as likely benign is not then subjected to further curation. The score for this variant resulted in a classification of likely benign for this disease.

Ambry Genetics
Classification: Benign for Cardiovascular phenotype. Last evaluated: 2015-09-16. Review status: criteria provided, single submitter. Criteria: Ambry Variant Classification Scheme 2023. Collection method: clinical testing. Allele origin: germline.

Mayo Clinic Laboratories, Mayo Clinic
Classification: Benign. Last evaluated: 2015-05-22. Review status: criteria provided, single submitter. Criteria: ACMG Guidelines, 2015. Collection method: clinical testing. Allele origin: germline. Observed: 36 variant alleles.

GeneDx
Classification: Benign. Last evaluated: 2015-03-03. Review status: criteria provided, single submitter. Criteria: GeneDx Variant Classification Process June 2021. Collection method: clinical testing. Allele origin: germline. Affected: yes.

Laboratory for Molecular Medicine, Mass General Brigham Personalized Medicine
Classification: Benign. Last evaluated: 2011-12-19. Review status: criteria provided, single submitter. Criteria: LMM Criteria. Collection method: clinical testing. Allele origin: germline. Observed: 50 variant alleles.
Comment: Ala2130Ala in exon 24 of DSP: This variant is classified as benign because it do es not change the amino acid and is frequent in the general population (dbSNP rs 28763969, MAF >1%).

Breakthrough Genomics
Classification: Likely benign. Review status: criteria provided, single submitter. Criteria: ACMG Guidelines, 2015. Collection method: not provided. Allele origin: germline. Inheritance: Autosomal recessive inheritance. Affected: yes.

Clinical Genetics DNA and cytogenetics Diagnostics Lab, Erasmus MC, Erasmus Medical Center
Classification: Benign. Review status: no assertion criteria provided. Collection method: clinical testing. Allele origin: germline. Affected: yes. Study: VKGL Data-share Consensus. Not counted in ClinVar's aggregate classification.

Clinical Genetics, Academic Medical Center
Classification: Benign. Review status: no assertion criteria provided. Collection method: clinical testing. Allele origin: germline. Affected: yes. Study: VKGL Data-share Consensus. Not counted in ClinVar's aggregate classification.

Diagnostic Laboratory, Department of Genetics, University Medical Center Groningen
Classification: Benign. Review status: no assertion criteria provided. Collection method: clinical testing. Allele origin: germline. Affected: yes. Study: VKGL Data-share Consensus. Not counted in ClinVar's aggregate classification.

Genome Diagnostics Laboratory, University Medical Center Utrecht
Classification: Benign. Review status: no assertion criteria provided. Collection method: clinical testing. Allele origin: germline. Affected: yes. Study: VKGL Data-share Consensus. Not counted in ClinVar's aggregate classification.

Joint Genome Diagnostic Labs from Nijmegen and Maastricht, Radboudumc and MUMC+
Classification: Benign. Review status: no assertion criteria provided. Collection method: clinical testing. Allele origin: germline. Affected: yes. Study: VKGL Data-share Consensus. Not counted in ClinVar's aggregate classification.

NM_004415.4(DSP):c.6390T>C (p.Ala2130=)

Gene: DSP (desmoplakin; plus strand). Cytogenetic location: 6p24.3.
Variant type: single nucleotide variant.
Coding change: c.6390T>C on transcript NM_004415.4 (MANE Select); coding-DNA position 6390, T replaced by C.
Protein change: p.Ala2130=; no amino-acid change (alanine 2130 retained).
Molecular consequence: synonymous variant.
Genome position (GRCh38, 1-based): chr6:7,583,652, T>C. VCF-style: chr6-7583652-T-C. GRCh37 (hg19) VCF-style: chr6-7583885-T-C.
Other names: p.Ala2130=; c.4593T>C, p.Ala1531= (NM_001008844.3); c.5061T>C, p.Ala1687= (NM_001319034.2); c.6390T>C (NM_004415.3).
Identifiers: ClinVar variation 44938 (VCV000044938.83), dbSNP rs28763969, ClinGen allele CA006901.